The following is an entry in ClinVar:

NM_001134363.3(RBM20):c.318_326del (p.Gln107_Ala109del)

Gene: RBM20 (RNA binding motif protein 20; plus strand). Cytogenetic location: 10q25.2.
Variant type: Deletion.
Coding change: c.318_326del on transcript NM_001134363.3 (MANE Select); coding-DNA positions 318 to 326, 9 bases deleted (ACAGACAGC; older notation c.318_326delACAGACAGC).
Protein change: p.Gln107_Ala109del.
Molecular consequence: inframe deletion.
Genome position (GRCh38, 1-based): chr10:110,780,927-110,780,935, ACAGACAGC deleted; deleting any 9 consecutive bases within chr10:110,780,925-110,780,935 gives the same sequence; the c. name uses the placement nearest the transcript's 3' end. VCF-style (leftmost placement, unchanged base first): chr10-110780924-GGCACAGACA-G. GRCh37 (hg19) VCF-style: chr10-112540682-GGCACAGACA-G.
Identifiers: ClinVar variation 1014749 (VCV001014749.8), dbSNP rs1054494691, ClinGen allele CA213234545.
Genomic context (GRCh38, chr10:110,780,924, plus strand): 5'-ACCTGCCAGTCTCCAGCTGGCTCAACTGCAGGCCCAGCTCACCCTCCACCGGCTGAAGCT[GGCACAGACA>G]GCTGTCACCAACAACACTGCAGCCGCCACAGTCCTGAACCAAGTCCTCTCCAAAGTGGCC-3'

ClinVar aggregate classification (germline): Uncertain significance (1 of 4 stars; one submission).

Conditions:
Dilated cardiomyopathy 1DD (CMD1DD). Identifiers: Orphanet 154, MedGen C2750995, MONDO:0013168, OMIM 613172.

Submission:

Labcorp Genetics (formerly Invitae), Labcorp
Classification: Uncertain significance for Dilated cardiomyopathy 1DD. Last evaluated: 2025-11-17. Review status: criteria provided, single submitter. Criteria: Invitae Variant Classification Sherloc (09022015). Collection method: clinical testing. Allele origin: germline.
Comment: This variant, c.318_326del, results in the deletion of 3 amino acid(s) of the RBM20 protein (p.Gln107_Ala109del), but otherwise preserves the integrity of the reading frame. This variant is not present in population databases (gnomAD no frequency). This variant has not been reported in the literature in individuals affected with RBM20-related conditions. ClinVar contains an entry for this variant (Variation ID: 1014749). Experimental studies and prediction algorithms are not available or were not evaluated, and the functional significance of this variant is currently unknown. In summary, the available evidence is currently insufficient to determine the role of this variant in disease. Therefore, it has been classified as a Variant of Uncertain Significance.